The following is an entry in ClinVar:

NM_005751.5(AKAP9):c.8177T>A (p.Met2726Lys)

Gene: AKAP9 (A-kinase anchoring protein 9; plus strand). Cytogenetic location: 7q21.2.
Variant type: single nucleotide variant.
Coding change: c.8177T>A on transcript NM_005751.5 (MANE Select); coding-DNA position 8177, T replaced by A.
Protein change: p.Met2726Lys; replaces methionine 2726 with lysine.
Molecular consequence: missense variant.
Genome position (GRCh38, 1-based): chr7:92,083,186, T>A. VCF-style: chr7-92083186-T-A. GRCh37 (hg19) VCF-style: chr7-91712500-T-A.
Other names: c.2822T>A, p.Met941Lys (NM_001379277.1); c.8153T>A, p.Met2718Lys (NM_147185.3); short protein forms M2718K, M941K, M2726K.
Identifiers: ClinVar variation 2626295 (VCV002626295.2), dbSNP rs1267250420, ClinGen allele CA368138023.

ClinVar aggregate classification (germline): Uncertain significance (1 of 4 stars; one submission).

Conditions:
Cardiovascular phenotype. Identifiers: MedGen CN230736.

Allele frequency attached by ClinVar (database versions not stated): gnomAD exomes below 0.00001.
gnomAD v4.1: 3 of 1,613,992 alleles (0.00019%); highest among the groups gnomAD compares: Non-Finnish European, 0.00017%; no homozygotes.

Submission:

Ambry Genetics
Classification: Uncertain significance for Cardiovascular phenotype. Last evaluated: 2023-08-13. Review status: criteria provided, single submitter. Criteria: Ambry Variant Classification Scheme 2023. Collection method: clinical testing. Allele origin: germline.
Comment: The p.M2726K variant (also known as c.8177T>A), located in coding exon 33 of the AKAP9 gene, results from a T to A substitution at nucleotide position 8177. The methionine at codon 2726 is replaced by lysine, an amino acid with similar properties. This amino acid position is conserved. In addition, this alteration is predicted to be tolerated by in silico analysis. Since supporting evidence is limited at this time, the clinical significance of this alteration remains unclear.